The following is an entry in ClinVar:

NM_004946.3(DOCK2):c.5216C>T (p.Ala1739Val)

Gene: DOCK2 (dedicator of cytokinesis 2; plus strand). Cytogenetic location: 5q35.1.
Variant type: single nucleotide variant.
Coding change: c.5216C>T on transcript NM_004946.3 (MANE Select); coding-DNA position 5216, C replaced by T.
Protein change: p.Ala1739Val; replaces alanine 1739 with valine.
Molecular consequence: missense variant. On other transcripts: non-coding transcript variant (1).
Genome position (GRCh38, 1-based): chr5:170,080,212, C>T. VCF-style: chr5-170080212-C-T. GRCh37 (hg19) VCF-style: chr5-169507216-C-T.
Other names: short protein forms A1739V.
Identifiers: ClinVar variation 1054722 (VCV001054722.6), dbSNP rs746230074, ClinGen allele CA3554811.

ClinVar aggregate classification (germline): Uncertain significance (1 of 4 stars; one submission).

Conditions:
DOCK2 deficiency. Also called: Immunodeficiency 40. Identifiers: Orphanet 447737, MedGen C4225328, MONDO:0014637, OMIM 616433.

Allele frequency attached by ClinVar (database versions not stated): TOPMed below 0.00001; gnomAD exomes 0.00002; ExAC 0.00003.
gnomAD v4.1: 28 of 1,614,088 alleles (0.0017%); highest among the groups gnomAD compares: South Asian, 0.0033%; no homozygotes.

Submission:

Labcorp Genetics (formerly Invitae), Labcorp
Classification: Uncertain significance for DOCK2 deficiency. Last evaluated: 2022-02-04. Review status: criteria provided, single submitter. Criteria: Invitae Variant Classification Sherloc (09022015). Collection method: clinical testing. Allele origin: germline.
Comment: This sequence change replaces alanine, which is neutral and non-polar, with valine, which is neutral and non-polar, at codon 1739 of the DOCK2 protein (p.Ala1739Val). This variant is present in population databases (rs746230074, gnomAD 0.006%). This variant has not been reported in the literature in individuals affected with DOCK2-related conditions. ClinVar contains an entry for this variant (Variation ID: 1054722). Algorithms developed to predict the effect of missense changes on protein structure and function output the following: SIFT: "Tolerated"; PolyPhen-2: "Benign"; Align-GVGD: "Class C0". The valine amino acid residue is found in multiple mammalian species, which suggests that this missense change does not adversely affect protein function. In summary, the available evidence is currently insufficient to determine the role of this variant in disease. Therefore, it has been classified as a Variant of Uncertain Significance.